The following is an entry in ClinVar:

ClinVar aggregate classification (germline): Uncertain significance (1 of 4 stars; one submission).

Conditions:
Cardiomyopathy (CMYO). Also called: Cardiomyopathies. Identifiers: Orphanet 167848, MedGen C0878544, MONDO:0004994, HP:0001638. Inheritance: Various modes of inheritance.

gnomAD v4.1: 1 of 1,313,286 alleles (0.000076%); highest among the groups gnomAD compares: Non-Finnish European, 0.00011%; no homozygotes.

Submission:

Color Diagnostics, LLC DBA Color Health
Classification: Uncertain significance for Cardiomyopathy. Last evaluated: 2025-08-10. Review status: criteria provided, single submitter. Criteria: ACMG Guidelines, 2015. Collection method: clinical testing. Allele origin: germline.
Comment: This missense variant replaces lysine with asparagine at codon 3441 of the RYR2 protein. Computational prediction is inconclusive regarding the impact of this variant on protein structure and function. To our knowledge, functional studies have not been reported for this variant. This variant has not been reported in individuals affected with RYR2-related disorders in the literature. This variant has not been identified in the general population by the Genome Aggregation Database (gnomAD). The available evidence is insufficient to determine the role of this variant in disease conclusively. Therefore, this variant is classified as a Variant of Uncertain Significance.

NM_001035.3(RYR2):c.10323G>C (p.Lys3441Asn)

Gene: RYR2 (ryanodine receptor 2; plus strand). Cytogenetic location: 1q43.
Variant type: single nucleotide variant.
Coding change: c.10323G>C on transcript NM_001035.3 (MANE Select); coding-DNA position 10323, G replaced by C.
Protein change: p.Lys3441Asn; replaces lysine 3441 with asparagine.
Molecular consequence: missense variant.
Genome position (GRCh38, 1-based): chr1:237,711,837, G>C. VCF-style: chr1-237711837-G-C. GRCh37 (hg19) VCF-style: chr1-237875137-G-C.
Other names: short protein forms K3441N.
Identifiers: ClinVar variation 4757995 (VCV004757995.1).